The following is an entry in ClinVar:

NM_005689.4(ABCB6):c.650A>G (p.Gln217Arg)

Gene: ABCB6 (ATP binding cassette subfamily B member 6 (LAN blood group); minus strand). Cytogenetic location: 2q35.
Variant type: single nucleotide variant.
Coding change: c.650A>G on transcript NM_005689.4 (MANE Select); coding-DNA position 650, A replaced by G.
Protein change: p.Gln217Arg; replaces glutamine 217 with arginine.
Molecular consequence: missense variant. On other transcripts: intron variant (1).
Genome position (GRCh38, 1-based): chr2:219,217,707, T>C on the plus strand (A>G on the coding strand, the complement: ABCB6 is on the minus strand). VCF-style: chr2-219217707-T-C. GRCh37 (hg19) VCF-style: chr2-220082429-T-C.
Other names: c.549+418A>G (NM_001349828.2); short protein forms Q217R.
Identifiers: ClinVar variation 2629234 (VCV002629234.1), dbSNP rs773484755, ClinGen allele CA2119694.
Genomic context (GRCh38, chr2:219,217,707, plus strand): 5'-AAAAAAAAGAAACTGAGGTGTACCTGGCTCCTTTCCACATCTTGGTCCTCTTCATGAACC[T>C]GCAATGTATAGGACTGGGGACGAAGTCCAGGGGCCCAGAGACCCAGGACAAACAGCCCTC-3'
Protein context (NP_005680.1, residues 207-227): PGLRPQSYTL[Gln217Arg]VHEEDQDVER

ClinVar aggregate classification (germline): Uncertain significance (1 of 4 stars; one submission).

Conditions:
ABCB6-related disorder. Also called: ABCB6-related condition.

Allele frequency attached by ClinVar (database versions not stated): ExAC 0.00001; gnomAD 0.00001; gnomAD exomes 0.00001; TOPMed 0.00001.
gnomAD v4.1: 6 of 1,613,046 alleles (0.00037%); highest among the groups gnomAD compares: African/African-American, 0.0013%; no homozygotes.

Submission:

PreventionGenetics, part of Exact Sciences
Classification: Uncertain significance for ABCB6-related condition. Last evaluated: 2023-06-03. Review status: criteria provided, single submitter. Criteria: ACMG Guidelines, 2015. Collection method: clinical testing. Allele origin: germline.
Comment: The ABCB6 c.650A>G variant is predicted to result in the amino acid substitution p.Gln217Arg. To our knowledge, this variant has not been reported in the literature. This variant is reported in 0.0062% of alleles in individuals of African descent in gnomAD. At this time, the clinical significance of this variant is uncertain due to the absence of conclusive functional and genetic evidence.